The following is an entry in ClinVar:

ClinVar aggregate classification (germline): Pathogenic/Likely pathogenic. Review status: criteria provided, multiple submitters, no conflicts (2 of 4 stars). 2 submissions from 2 submitters: Pathogenic (1); Likely pathogenic (1). Last evaluated 2025-04-23.

Conditions:
Methylmalonic aciduria due to methylmalonyl-CoA mutase deficiency (MAMM). Also called: Methylmalonic aciduria, mut type. Identifiers: Orphanet 27, MedGen C1855114, MONDO:0009612, OMIM 251000.
Methylmalonic acidemia (MMA). Also called: Isolated Methylmalonic Acidemia. Identifiers: MedGen C0268583, MeSH C537358, MONDO:0002012, HP:0002912.

Submissions (2):

Women's Health and Genetics/Laboratory Corporation of America, LabCorp
Classification: Likely pathogenic for Methylmalonic acidemia. Last evaluated: 2025-04-23. Review status: criteria provided, single submitter. Criteria: LabCorp Variant Classification Summary - May 2015. Collection method: clinical testing. Allele origin: germline.
Comment: Variant summary: MMUT c.1164T>A (p.Asn388Lys) results in a non-conservative amino acid change in the encoded protein sequence. Five of five in-silico tools predict a damaging effect of the variant on protein function. The variant was absent in 251242 control chromosomes. c.1164T>A has been observed in at least one homozygous individual affected with Methylmalonic Acidemia (e.g. Forny_2016). These data indicate that the variant may be associated with disease. At least one publication reports experimental evidence evaluating an impact on protein function. The most pronounced variant effect results in <10% of normal enzyme activity (e.g. Forny_2016). The following publication has been ascertained in the context of this evaluation (PMID: 27167370). ClinVar contains an entry for this variant (Variation ID: 222929). Based on the evidence outlined above, the variant was classified as likely pathogenic.

University Children's Hospital, University of Zurich
Classification: Pathogenic for Methylmalonic aciduria due to methylmalonyl-CoA mutase deficiency. Review status: criteria provided, single submitter. Criteria: Forny et al. (Hum Mutat. 2016). Collection method: clinical testing. Allele origin: germline. Inheritance: Autosomal recessive inheritance. Affected: yes.

Literature cited by the submitters: PubMed 27167370 (cited by Women's Health and Genetics/Laboratory Corporation of America, LabCorp); PubMed 25736335 (cited by University Children's Hospital, University of Zurich).

NM_000255.4(MMUT):c.1164T>A (p.Asn388Lys)

Gene: MMUT (methylmalonyl-CoA mutase; minus strand). Cytogenetic location: 6p12.3.
Variant type: single nucleotide variant.
Coding change: c.1164T>A on transcript NM_000255.4 (MANE Select); coding-DNA position 1164, T replaced by A.
Protein change: p.Asn388Lys; replaces asparagine 388 with lysine.
Molecular consequence: missense variant.
Genome position (GRCh38, 1-based): chr6:49,451,634, A>T on the plus strand (T>A on the coding strand, the complement: MMUT is on the minus strand). VCF-style: chr6-49451634-A-T. GRCh37 (hg19) VCF-style: chr6-49419347-A-T.
Other names: short protein forms N388K.
Identifiers: ClinVar variation 222929 (VCV000222929.4), dbSNP rs879253840, ClinGen allele CA10575869.